The following is an entry in ClinVar:

NM_002354.3(EPCAM):c.849TGT[1] (p.Val285del)

Gene: EPCAM (epithelial cell adhesion molecule; plus strand). Cytogenetic location: 2p21.
Variant type: Microsatellite.
Coding change: c.849TGT[1] on transcript NM_002354.3 (MANE Select); one copy of the 3-base unit TGT starting at c.849; the reference has two copies in a row; one copy, 3 bases deleted.
Protein change: p.Val285del; deletes valine 285.
Molecular consequence: inframe deletion.
Genome position (GRCh38, 1-based): chr2:47,379,963-47,379,965, TGT deleted; deleting any 3 consecutive bases within chr2:47,379,959-47,379,965 gives the same sequence; the position shown is the placement nearest the transcript's 3' end. VCF-style (leftmost placement, unchanged base first): chr2-47379958-ATTG-A. GRCh37 (hg19) VCF-style: chr2-47607097-ATTG-A.
Other names: short protein forms V285del.
Identifiers: ClinVar variation 1320282 (VCV001320282.3), dbSNP rs1424757619, ClinGen allele CA532339189.

ClinVar aggregate classification (germline): Uncertain significance (1 of 4 stars; one submission).

Conditions:
Lynch syndrome 8 (LYNCH8). Also called: Colorectal cancer, hereditary nonpolyposis, type 8. Identifiers: Orphanet 144, MedGen C2750471, MONDO:0013196, OMIM 613244.

Submission:

St. Jude Molecular Pathology, St. Jude Children's Research Hospital
Classification: Uncertain significance for Lynch syndrome 8. Last evaluated: 2021-09-09. Review status: criteria provided, single submitter. Criteria: St. Jude Assertion Criteria 2020. Collection method: clinical testing. Allele origin: germline.
Comment: The EPCAM c.852_854del (p.Val285del) change has a maximum subpopulation frequency of 0.0033% in gnomAD v2.1.1. The change results in the deletion of a single serine residue in a region without a known function at the c-terminal end of the gene (BP3). To our knowledge, functional studies have not been performed and this variant has not been reported in individuals with Lynch syndrome or constitutional mismatch repair deficiency. In summary, this variant meets criteria to be classified as of uncertain significance based on the ACMG/AMP criteria: BP3.